The following is an entry in ClinVar:

ClinVar aggregate classification (germline): Uncertain significance (1 of 4 stars; one submission).

Conditions:
Early-infantile DEE. Also called: Early infantile epileptic encephalopathy; Early infantile epileptic encephalopathy with suppression bursts; Ohtahara syndrome. Identifiers: Orphanet 1934, MedGen C0393706, MONDO:0800491.

Submission:

Labcorp Genetics (formerly Invitae), Labcorp
Classification: Uncertain significance for Early-infantile DEE. Last evaluated: 2024-09-06. Review status: criteria provided, single submitter. Criteria: Invitae Variant Classification Sherloc (09022015). Collection method: clinical testing. Allele origin: germline.
Comment: This sequence change falls in intron 20 of the SCN1A gene. It does not directly change the encoded amino acid sequence of the SCN1A protein. However, this sequence change falls within a region encompassing a cryptic exon in the SCN1A gene, in which variants have been shown to alter splicing (PMID: 30526861, 34107977). This variant is not present in population databases (gnomAD no frequency). This variant has not been reported in the literature in individuals affected with SCN1A-related conditions. Algorithms developed to predict the effect of sequence changes on RNA splicing suggest that this variant is not likely to affect RNA splicing. In summary, the available evidence is currently insufficient to determine the role of this variant in disease. Therefore, it has been classified as a Variant of Uncertain Significance.

Literature cited by the submitters: PubMed 30526861; PubMed 34107977.

NM_001165963.4(SCN1A):c.4002+2364C>T

Genes: SCN1A (sodium voltage-gated channel alpha subunit 1; minus strand), LOC102724058 (uncharacterized LOC102724058; plus strand). Cytogenetic location: 2q24.3.
Variant type: single nucleotide variant.
Coding change: c.4002+2364C>T on transcript NM_001165963.4 (MANE Select); 2364 bases into the intron after coding-DNA position 4002, C replaced by T.
Molecular consequence: intron variant.
Genome position (GRCh38, 1-based): chr2:166,007,355, G>A on the plus strand (C>T on the coding strand, the complement: SCN1A is on the minus strand). VCF-style: chr2-166007355-G-A. GRCh37 (hg19) VCF-style: chr2-166863865-G-A.
Other names: c.3969+2364C>T (NM_001353949.2, NM_001353950.2, NM_001353951.2 and 2 more transcripts); c.3918+2364C>T (NM_001353958.2, NM_001353957.2, NM_001165964.3); c.4002+2364C>T (NM_001202435.3, NM_001353948.2); c.3966+2364C>T (NM_001353955.2, NM_001353954.2); c.3915+2364C>T (NM_001353960.2); c.1560+2364C>T (NM_001353961.2).
Identifiers: ClinVar variation 2840635 (VCV002840635.3), dbSNP rs2468472026, ClinGen allele CA2739271474.